The following is an entry in ClinVar:

ClinVar aggregate classification (germline): Pathogenic (1 of 4 stars; one submission).

Conditions:
Telangiectasia, hereditary hemorrhagic, type 2 (HHT2). Also called: Telangiectasia, hereditary hemorrhagic, type II; ACVRL1-Related Hereditary Hemorrhagic Telangiectasia. Identifiers: Orphanet 774, MedGen C1838163, MONDO:0010880, OMIM 600376. Disease mechanism: loss of function.

Submission:

Labcorp Genetics (formerly Invitae), Labcorp
Classification: Pathogenic for Telangiectasia, hereditary hemorrhagic, type 2. Last evaluated: 2022-08-22. Review status: criteria provided, single submitter. Criteria: Invitae Variant Classification Sherloc (09022015). Collection method: clinical testing. Allele origin: germline.
Comment: For these reasons, this variant has been classified as Pathogenic. This variant has not been reported in the literature in individuals affected with ACVRL1-related conditions. This variant is not present in population databases (gnomAD no frequency). This sequence change creates a premature translational stop signal (p.Gln321Argfs*70) in the ACVRL1 gene. It is expected to result in an absent or disrupted protein product. Loss-of-function variants in ACVRL1 are known to be pathogenic (PMID: 15879500).

Literature cited by the submitters: PubMed 15879500.

NM_000020.3(ACVRL1):c.962_963del (p.Gln321fs)

Gene: ACVRL1 (activin A receptor like type 1; plus strand). Cytogenetic location: 12q13.13.
Variant type: Deletion.
Coding change: c.962_963del on transcript NM_000020.3 (MANE Select); coding-DNA positions 962 to 963, 2 bases deleted (AG; older notation c.962_963delAG).
Protein change: p.Gln321fs; shifts the reading frame from glutamine 321.
Molecular consequence: frameshift variant.
Genome position (GRCh38, 1-based): chr12:51,915,414-51,915,415, AG deleted. VCF-style (leftmost placement, unchanged base first): chr12-51915413-CAG-C. GRCh37 (hg19) VCF-style: chr12-52309197-CAG-C.
Other names: c.962_963del, p.Gln321fs (NM_001077401.2); c.962_963delAG, p.Gln321Argfs (NM_001406487.1, NM_001406488.1, NM_001406489.1); c.650_651delAG, p.Gln217Argfs (NM_001406490.1, NM_001406491.1, NM_001406492.1 and 2 more transcripts); c.398_399delAG, p.Gln133Argfs (NM_001406495.1); short protein forms Q321fs.
Identifiers: ClinVar variation 2026400 (VCV002026400.4), dbSNP rs2540164669, ClinGen allele CA2580086484.